The following is an entry in ClinVar:

ClinVar aggregate classification (germline): Pathogenic (1 of 4 stars; one submission).

Submission:

GeneDx
Classification: Pathogenic. Last evaluated: 2024-09-12. Review status: criteria provided, single submitter. Criteria: GeneDx Variant Classification Process June 2021. Collection method: clinical testing. Allele origin: germline. Affected: yes.
Comment: Not observed at significant frequency in large population cohorts (gnomAD); In silico analysis supports that this missense variant has a deleterious effect on protein structure/function; This variant is associated with the following publications: (PMID: 30929739)

NM_016604.4(KDM3B):c.2827C>T (p.Arg943Trp)

Gene: KDM3B (lysine demethylase 3B; plus strand). Cytogenetic location: 5q31.2.
Variant type: single nucleotide variant.
Coding change: c.2827C>T on transcript NM_016604.4 (MANE Select); coding-DNA position 2827, C replaced by T.
Protein change: p.Arg943Trp; replaces arginine 943 with tryptophan.
Molecular consequence: missense variant.
Genome position (GRCh38, 1-based): chr5:138,393,368, C>T. VCF-style: chr5-138393368-C-T. GRCh37 (hg19) VCF-style: chr5-137729057-C-T.
Other names: short protein forms R943W.
Identifiers: ClinVar variation 3769805 (VCV003769805.1).
Genomic context (GRCh38, chr5:138,393,368, plus strand): 5'-CGGAAGTTTAAGGAACAGGAGCAAGATGATTCTACTGTAGCCTGCCGTTTCTTTCACTTC[C>T]GGAGGTACCCAAACTCCTGTTTTCCTCCTTTGCTAGTTTTCATTAGTGACACATAACTTC-3'
Protein context (NP_057688.3, residues 933-953): STVACRFFHF[Arg943Trp]RLIFTRKGVL